The following is an entry in ClinVar:

NM_000352.6(ABCC8):c.208G>C (p.Gly70Arg)

Gene: ABCC8 (ATP binding cassette subfamily C member 8; minus strand). Cytogenetic location: 11p15.1.
Variant type: single nucleotide variant.
Coding change: c.208G>C on transcript NM_000352.6 (MANE Select); coding-DNA position 208, G replaced by C.
Protein change: p.Gly70Arg; replaces glycine 70 with arginine.
Molecular consequence: missense variant. On other transcripts: non-coding transcript variant (1).
Genome position (GRCh38, 1-based): chr11:17,474,968, C>G on the plus strand (G>C on the coding strand, the complement: ABCC8 is on the minus strand). VCF-style: chr11-17474968-C-G. GRCh37 (hg19) VCF-style: chr11-17496515-C-G.
Other names: c.208G>C, p.Gly70Arg (NM_001287174.3, NM_001351295.2, NM_001351296.2 and 1 more transcripts); c.208G>C (NM_000352.4); short protein forms G70R.
Identifiers: ClinVar variation 551343 (VCV000551343.6), dbSNP rs764349043, ClinGen allele CA379787961.

ClinVar aggregate classification (germline): Conflicting classifications of pathogenicity. Review status: criteria provided, conflicting classifications (1 of 4 stars). 4 submissions from 4 submitters: Likely pathogenic (2); Uncertain significance (1). 1 of the submissions does not count toward it. Last evaluated 2025-06-09.

Conditions:
Neonatal diabetes mellitus (NDM). Identifiers: Orphanet 224, MedGen C0158981, MONDO:0016391.
Hyperinsulinemic hypoglycemia, familial, 1 (HHF1). Also called: HYPERINSULINISM, FAMILIAL, WITH PANCREATIC NESIDIOBLASTOSIS; HYPOGLYCEMIA, HYPERINSULINEMIC, OF INFANCY; Persistent hyperinsulinemic hypoglycemia of infancy; NESIDIOBLASTOSIS OF PANCREAS; Persistent Hyperinsulinemia Hypoglycemia of Infancy. Identifiers: Orphanet 276575, Orphanet 276598, MedGen C2931832, MONDO:0009734, OMIM 256450.
Type 2 diabetes mellitus. Also called: Type II diabetes mellitus. Identifiers: MedGen C0011860, MeSH D003924, MONDO:0005148, OMIM 125853, HP:0005978.
Hereditary hyperinsulinism.

Submissions (4):

Natera, Inc.
Classification: Likely pathogenic for Hereditary hyperinsulinism. Last evaluated: 2025-06-09. Review status: criteria provided, single submitter. Criteria: Natera Variant Classification Schema (03/2026). Collection method: clinical testing. Allele origin: germline.
Comment: The c.208G>C variant in ABCC8 is a missense variant predicted to cause substitution of glycine to arginine at amino acid 70. This variant is rare in the general population with a frequency below the threshold expected for the associated phenotype(s). Another variant at this same site results in an alteration predicted to cause a similar molecular effect has been observed in individual(s) with the associated phenotype. Computational prediction algorithms indicate this variant is likely to affect gene or protein function. Given the available evidence, this variant is classified as Likely Pathogenic.

Baylor Genetics
Classification: Likely pathogenic for Type 2 diabetes mellitus. Last evaluated: 2024-03-29. Review status: criteria provided, single submitter. Criteria: ACMG Guidelines, 2015. Collection method: clinical testing. Allele origin: unknown.

Molecular Genetics, Madras Diabetes Research Foundation
Classification: Uncertain significance for Neonatal diabetes mellitus. Review status: criteria provided, single submitter. Criteria: ACMG Guidelines, 2015. Collection method: clinical testing. Allele origin: germline. Affected: yes.

Counsyl
Classification: Uncertain significance for Hyperinsulinemic hypoglycemia, familial, 1. Last evaluated: 2017-03-31. Review status: no assertion criteria provided. Collection method: clinical testing. Allele origin: unknown. Not counted in ClinVar's aggregate classification.

Literature cited by the submitters: PubMed 32893419 (cited by Molecular Genetics, Madras Diabetes Research Foundation).